The following continues an entry in ClinVar:

NM_000218.3(KCNQ1):c.1748G>A (p.Arg583His)

Gene: KCNQ1. ClinVar aggregate classification (germline): Conflicting classifications of pathogenicity. Pathogenic (1); Likely pathogenic (5); Uncertain significance (5).

Submissions 9 to 12 of 12:

Ambry Genetics
Classification: Uncertain significance for Cardiovascular phenotype. Last evaluated: 2023-04-04. Review status: criteria provided, single submitter. Criteria: Ambry General Variant Classification Scheme_2022. Collection method: clinical testing. Allele origin: germline.
Comment: The p.R583H variant (also known as c.1748G>A), located in coding exon 15 of the KCNQ1 gene, results from a G to A substitution at nucleotide position 1748. The arginine at codon 583 is replaced by histidine, an amino acid with highly similar properties. This variant has been detected in an individual with arrhythmia, a sudden unexplained death in epilepsy cohort, and long QT syndrome cohorts; however, in some cases, clinical detail was limited and additional variants in other arrhythmia-related genes were also detected. In addition, some reported cases may overlap (Kanters JK et al. Heart Rhythm, 2004 Sep;1:285-92; Christiansen M et al. BMC Med Genet, 2014 Mar;15:31; Napolitano C et al. JAMA, 2005 Dec;294:2975-80; Barsheshet A et al. Circulation, 2012 Apr;125:1988-96; Yoshinaga M et al. Circ Arrhythm Electrophysiol, 2014 Feb;7:107-12; Coll M et al. Int J Legal Med, 2016 Mar;130:331-9; Zullo A et al. Int J Mol Sci, 2017 Jul;18; Schwartz PJ et al. Eur Heart J, 2021 Dec;42:4743-4755). One functional study indicated this variant may impact some channel electrophysiological parameters, but not significantly impact current density; however, additional evidence is needed to confirm these findings (Zullo A et al. Int J Mol Sci, 2017 Jul;18). This amino acid position is well conserved in available vertebrate species. In addition, this alteration is predicted to be deleterious by in silico analysis. Since supporting evidence is limited at this time, the clinical significance of this alteration remains unclear.

Victorian Clinical Genetics Services, Murdoch Childrens Research Institute
Classification: Uncertain significance for Long QT syndrome 1. Last evaluated: 2022-02-02. Review status: criteria provided, single submitter. Criteria: ACMG Guidelines, 2015. Collection method: clinical testing. Allele origin: germline. Inheritance: Autosomal dominant inheritance. Affected: yes.
Comment: Based on the classification scheme VCGS_Germline_v1.3.4, this variant is classified as VUS-3B. Following criteria are met: 0103 - Dominant negative, loss of function and gain of function are known mechanisms of disease in this gene. Gain of function variants result exclusively in short QT syndrome (MIM#609621), while dominant negative and loss of function variants can cause long QT syndrome (LQTS, MIM#192500), atrial fibrillation (MIM#607554) and Jervell and Lange-Nielsen syndrome (JLNS, MIM#220400) (OMIM, PMIDs: 19632626, 28438721). (I) 0108 - This gene is known to be associated with both recessive and dominant disease. JLNS is characterized by congenital, bilateral deafness and variable degrees of QT prolongation, and is the only condition caused by biallelic variants (PMID: 28438721). (I) 0112 - The condition associated with this gene has incomplete penetrance (OMIM, PMID: 20301308). (I) 0200 - Variant is predicted to result in a missense amino acid change from arginine to histidine. (I) 0251 - This variant is heterozygous. (I) 0302 - Variant is present in gnomAD (v2) <0.001 for a dominant condition (5 heterozygotes, 0 homozygotes). (SP) 0309 - An alternative amino acid change at the same position has been observed in gnomAD (v2) (4 heterozygotes, 0 homozygotes). (I) 0502 - Missense variant with conflicting in silico predictions and uninformative conservation. (I) 0600 - Variant is located in the annotated C-terminal domain (UniProt). (I) 0705 - No comparable missense variants have previous evidence for pathogenicity. (I) 0808 - Previous reports of pathogenicity for this variant are conflicting. This variant has been previously identified in four individuals with LQTS and in one individual who suffered a sudden unexpected death in epilepsy (PMID: 16414944, PMID: 24606995, PMID: 24363352, PMID: 26423924, PMID: 28749435). This variant also has three VUS entries in ClinVar. (I) 0905 - No published segregation evidence has been identified for this variant. (I) 1010 - Functional evidence for this variant is inconclusive. Whole cell patch clamp analysis demonstrated the variant caused a positive shift in the voltage-dependence of activation but does not severely affect the function of the channel (PMID: 28749435). However, patch clamp assays have been shown to be unreliable, therefore results from these studies are used with caution during variant classification. (I) 1208 - Inheritance information for this variant is not currently available in this individual. (I) Legend: (SP) - Supporting pathogenic, (I) - Information, (SB) - Supporting benign

MVZ Martinsried, Medicover Genetics
Classification: Likely pathogenic for Long QT syndrome 1. Last evaluated: 2021-10-29. Review status: criteria provided, single submitter. Criteria: ACGS Guidelines, 2020. Collection method: clinical testing. Allele origin: unknown. Affected: yes.

Cardiovascular Biomedical Research Unit, Royal Brompton & Harefield NHS Foundation Trust
No classification provided. Condition: Familial long QT syndrome. Review status: no classification provided. Collection method: literature only. Allele origin: germline. Not counted in ClinVar's aggregate classification.
Comment: This variant has been reported as associated with Long QT syndrome in the following publications (PMID:15851171;PMID:16414944). This is a literature report, and does not necessarily reflect the clinical interpretation of the Imperial College / Royal Brompton Cardiovascular Genetics laboratory.

Literature cited by the submitters: PubMed 15851171 (cited by 5 submitters); PubMed 16414944 (cited by 6 submitters); PubMed 24363352 (cited by 4 submitters); PubMed 28749435 (cited by 6 submitters); PubMed 34505893 (cited by 3 submitters); PubMed 38657442 (cited by Labcorp Genetics (formerly Invitae), Labcorp and Women's Health and Genetics/Laboratory Corporation of America, LabCorp); PubMed 26423924 (cited by 4 submitters); PubMed 31696929 (cited by All of Us Research Program, National Institutes of Health and Color Diagnostics, LLC DBA Color Health); PubMed 2460699 (cited by Color Diagnostics, LLC DBA Color Health); PubMed 18822425 (cited by Color Diagnostics, LLC DBA Color Health); PubMed 22456477 (cited by Color Diagnostics, LLC DBA Color Health and Ambry Genetics); PubMed 26318259 (cited by Color Diagnostics, LLC DBA Color Health); PubMed 32893267 (cited by Color Diagnostics, LLC DBA Color Health); PubMed 24606995 (cited by Ambry Genetics and Victorian Clinical Genetics Services, Murdoch Childrens Research Institute); PubMed 19632626 (cited by Victorian Clinical Genetics Services, Murdoch Childrens Research Institute); PubMed 20301308 (cited by Victorian Clinical Genetics Services, Murdoch Childrens Research Institute); PubMed 28438721 (cited by Victorian Clinical Genetics Services, Murdoch Childrens Research Institute); PubMed 22581653 (cited by Cardiovascular Biomedical Research Unit, Royal Brompton & Harefield NHS Foundation Trust).